The following is an entry in ClinVar:

NM_033026.6(PCLO):c.8545G>A (p.Glu2849Lys)

Gene: PCLO (piccolo presynaptic cytomatrix protein; minus strand). Cytogenetic location: 7q21.11.
Variant type: single nucleotide variant.
Coding change: c.8545G>A on transcript NM_033026.6 (MANE Select); coding-DNA position 8545, G replaced by A.
Protein change: p.Glu2849Lys; replaces glutamic acid 2849 with lysine.
Molecular consequence: missense variant.
Genome position (GRCh38, 1-based): chr7:82,952,408, C>T on the plus strand (G>A on the coding strand, the complement: PCLO is on the minus strand). VCF-style: chr7-82952408-C-T. GRCh37 (hg19) VCF-style: chr7-82581724-C-T.
Other names: c.8545G>A, p.Glu2849Lys (NM_014510.3); short protein forms E2849K.
Identifiers: ClinVar variation 1410193 (VCV001410193.5), dbSNP rs1011437075, ClinGen allele CA161145204.

ClinVar aggregate classification (germline): Uncertain significance (1 of 4 stars; one submission).

Allele frequency attached by ClinVar (database versions not stated): gnomAD exomes below 0.00001; gnomAD 0.00001; TOPMed 0.00002.
gnomAD v4.1: 2 of 1,613,708 alleles (0.00012%); highest among the groups gnomAD compares: African/African-American, 0.0027%; no homozygotes.

Submission:

Labcorp Genetics (formerly Invitae), Labcorp
Classification: Uncertain significance. Last evaluated: 2022-07-01. Review status: criteria provided, single submitter. Criteria: Invitae Variant Classification Sherloc (09022015). Collection method: clinical testing. Allele origin: germline.
Comment: This variant is not present in population databases (gnomAD no frequency). This sequence change replaces glutamic acid, which is acidic and polar, with lysine, which is basic and polar, at codon 2849 of the PCLO protein (p.Glu2849Lys). This variant has not been reported in the literature in individuals affected with PCLO-related conditions. ClinVar contains an entry for this variant (Variation ID: 1410193). Algorithms developed to predict the effect of missense changes on protein structure and function are either unavailable or do not agree on the potential impact of this missense change (SIFT: "Deleterious"; PolyPhen-2: "Not Available"; Align-GVGD: "Class C0"). In summary, the available evidence is currently insufficient to determine the role of this variant in disease. Therefore, it has been classified as a Variant of Uncertain Significance.